The following is an entry in ClinVar:

ClinVar aggregate classification (germline): Uncertain significance. Review status: criteria provided, multiple submitters, no conflicts (2 of 4 stars). 2 submissions from 2 submitters: Uncertain significance (2). Last evaluated 2025-09-02.

Conditions:
Pseudohypoaldosteronism type 2D (PHA2D). Also called: FAMILIAL HYPERKALEMIC HYPERTENSION; PSEUDOHYPOALDOSTERONISM, TYPE IID, AUTOSOMAL DOMINANT OR RECESSIVE; Pseudohypoaldosteronism Type IID. Identifiers: Orphanet 300525, Orphanet 757, MedGen C3469605, MONDO:0013781, OMIM 614495.

Submissions (2):

Labcorp Genetics (formerly Invitae), Labcorp
Classification: Uncertain significance. Last evaluated: 2025-09-02. Review status: criteria provided, single submitter. Criteria: Invitae Variant Classification Sherloc (09022015). Collection method: clinical testing. Allele origin: germline.
Comment: This sequence change replaces tyrosine, which is neutral and polar, with histidine, which is basic and polar, at codon 577 of the KLHL3 protein (p.Tyr577His). This variant is not present in population databases (gnomAD no frequency). This variant has not been reported in the literature in individuals affected with KLHL3-related conditions. ClinVar contains an entry for this variant (Variation ID: 3591702). Invitae Evidence Modeling of protein sequence and biophysical properties (such as structural, functional, and spatial information, amino acid conservation, physicochemical variation, residue mobility, and thermodynamic stability) indicates that this missense variant is not expected to disrupt KLHL3 protein function with a negative predictive value of 80%. In summary, the available evidence is currently insufficient to determine the role of this variant in disease. Therefore, it has been classified as a Variant of Uncertain Significance.

Fulgent Genetics
Classification: Uncertain significance for Pseudohypoaldosteronism type 2D. Last evaluated: 2024-03-19. Review status: criteria provided, single submitter. Criteria: ACMG Guidelines, 2015. Collection method: clinical testing. Allele origin: germline.

NM_017415.3(KLHL3):c.1729T>C (p.Tyr577His)

Gene: KLHL3 (kelch like family member 3; minus strand). Cytogenetic location: 5q31.2.
Variant type: single nucleotide variant.
Coding change: c.1729T>C on transcript NM_017415.3 (MANE Select); coding-DNA position 1729, T replaced by C.
Protein change: p.Tyr577His; replaces tyrosine 577 with histidine.
Molecular consequence: missense variant.
Genome position (GRCh38, 1-based): chr5:137,625,759, A>G on the plus strand (T>C on the coding strand, the complement: KLHL3 is on the minus strand). VCF-style: chr5-137625759-A-G. GRCh37 (hg19) VCF-style: chr5-136961448-A-G.
Other names: c.1633T>C, p.Tyr545His (NM_001257194.1); c.1483T>C, p.Tyr495His (NM_001257195.2); short protein forms Y495H, Y545H, Y577H.
Identifiers: ClinVar variation 3591702 (VCV003591702.3).
Genomic context (GRCh38, chr5:137,625,759, plus strand): 5'-TCCCCCAGTGTGTTGGAGGCCTCTCGGATGGGCATGGAGATGGCACACACTGACCTGCAT[A>G]GCTCCGCCCCGTGCTCATGTTCGTTGGAAGCAGCGTCCATTTGTCAGTGACAGGATTGTA-3'
Protein context (NP_059111.2, residues 567-587): LPTNMSTGRS[Tyr577His]AGVAVIHKSL